The following is an entry in ClinVar:

ClinVar aggregate classification (germline): Uncertain significance (1 of 4 stars; one submission).

gnomAD v4.1: 1 of 1,572,098 alleles (0.000064%); highest among the groups gnomAD compares: Non-Finnish European, 0.000086%; no homozygotes.

Submission:

Labcorp Genetics (formerly Invitae), Labcorp
Classification: Uncertain significance. Last evaluated: 2022-07-19. Review status: criteria provided, single submitter. Criteria: Invitae Variant Classification Sherloc (09022015). Collection method: clinical testing. Allele origin: germline.
Comment: This sequence change replaces alanine, which is neutral and non-polar, with serine, which is neutral and polar, at codon 184 of the NR2E3 protein (p.Ala184Ser). This variant is not present in population databases (gnomAD no frequency). This variant has not been reported in the literature in individuals affected with NR2E3-related conditions. Experimental studies and prediction algorithms are not available or were not evaluated, and the functional significance of this variant is currently unknown. In summary, the available evidence is currently insufficient to determine the role of this variant in disease. Therefore, it has been classified as a Variant of Uncertain Significance.

NM_014249.4(NR2E3):c.550G>T (p.Ala184Ser)

Gene: NR2E3 (nuclear receptor subfamily 2 group E member 3; plus strand). Cytogenetic location: 15q23.
Variant type: single nucleotide variant.
Coding change: c.550G>T on transcript NM_014249.4 (MANE Select); coding-DNA position 550, G replaced by T.
Protein change: p.Ala184Ser; replaces alanine 184 with serine.
Molecular consequence: missense variant.
Genome position (GRCh38, 1-based): chr15:71,812,155, G>T. VCF-style: chr15-71812155-G-T. GRCh37 (hg19) VCF-style: chr15-72104495-G-T.
Other names: c.550G>T, p.Ala184Ser (NM_016346.4); short protein forms A184S.
Identifiers: ClinVar variation 1719371 (VCV001719371.5), dbSNP rs755461027, ClinGen allele CA393034934.
Genomic context (GRCh38, chr15:71,812,155, plus strand): 5'-TCTGCAGCCAGAGCCCTGGGCCACCACTTCATGGCCAGCCTTATAACAGCTGAAACCTGT[G>T]CTAAGCTGGAGCCAGAGGATGGTGAGTGGGAGAGCAGCTGAGGGCACAGCAGGGCTTGGC-3'
Protein context (NP_055064.1, residues 174-194): MASLITAETC[Ala184Ser]KLEPEDADEN